The following is an entry in ClinVar:

ClinVar aggregate classification (germline): Likely benign (0 of 4 stars; one submission).

Conditions:
MUC16-related disorder. Also called: MUC16-related condition.

Submission:

PreventionGenetics, part of Exact Sciences
Classification: Likely benign for MUC16-related condition. Last evaluated: 2019-10-17. Review status: no assertion criteria provided. Collection method: clinical testing. Allele origin: germline.
Comment: This variant is classified as likely benign based on ACMG/AMP sequence variant interpretation guidelines (Richards et al. 2015 PMID: 25741868, with internal and published modifications).

NM_001401501.2(MUC16):c.44268C>A (p.Pro14756=)

Gene: MUC16 (mucin 16, cell surface associated; minus strand). Cytogenetic location: 19p13.2.
Variant type: single nucleotide variant.
Coding change: c.44268C>A on transcript NM_001401501.2 (MANE Select); coding-DNA position 44268, C replaced by A.
Protein change: p.Pro14756=; no amino-acid change (proline 14756 retained).
Molecular consequence: synonymous variant.
Genome position (GRCh38, 1-based): chr19:8,882,341, G>T on the plus strand (C>A on the coding strand, the complement: MUC16 is on the minus strand). VCF-style: chr19-8882341-G-T. GRCh37 (hg19) VCF-style: chr19-8993017-G-T.
Other names: c.44694C>A, p.Pro14898= (NM_001414686.1); c.44148C>A, p.Pro14716= (NM_001414687.1); c.41742C>A, p.Pro13914= (NM_024690.2).
Identifiers: ClinVar variation 3057192 (VCV003057192.2), dbSNP rs111468097, ClinGen allele CA305055207.